The following is an entry in ClinVar:

NM_000179.3(MSH6):c.3060T>C (p.Asn1020=)

Gene: MSH6 (mutS homolog 6; plus strand). Cytogenetic location: 2p16.3.
Variant type: single nucleotide variant.
Coding change: c.3060T>C on transcript NM_000179.3 (MANE Select); coding-DNA position 3060, T replaced by C.
Protein change: p.Asn1020=; no amino-acid change (asparagine 1020 retained).
Molecular consequence: synonymous variant.
Genome position (GRCh38, 1-based): chr2:47,801,043, T>C. VCF-style: chr2-47801043-T-C. GRCh37 (hg19) VCF-style: chr2-48028182-T-C.
Other names: c.2670T>C, p.Asn890= (NM_001281492.2); c.2154T>C, p.Asn718= (NM_001281493.2, NM_001281494.2).
Identifiers: ClinVar variation 483818 (VCV000483818.15), dbSNP rs1553414441, ClinGen allele CA426121780.

ClinVar aggregate classification (germline): Benign/Likely benign. Review status: criteria provided, multiple submitters, no conflicts (2 of 4 stars). 3 submissions from 3 submitters: Benign (1); Likely benign (2). Last evaluated 2025-05-11.

Conditions:
Hereditary nonpolyposis colorectal neoplasms. Identifiers: MedGen C0009405, MeSH D003123.
Lynch syndrome 5 (LYNCH5). Also called: Colorectal cancer, hereditary nonpolyposis, type 5; Hereditary non-polyposis colorectal cancer, type 5. Identifiers: Orphanet 144, MedGen C1833477, MONDO:0013710, OMIM 614350. Disease mechanism: loss of function.
Hereditary cancer-predisposing syndrome. Also called: Neoplastic Syndromes, Hereditary; Tumor predisposition; Hereditary Cancer Syndrome; Hereditary neoplastic syndrome. Identifiers: Orphanet 140162, MedGen C0027672, MeSH D009386, MONDO:0015356.

Allele frequency attached by ClinVar (database versions not stated): gnomAD exomes below 0.00001.
gnomAD v4.1: 1 of 1,594,846 alleles (0.000063%); highest among the groups gnomAD compares: Non-Finnish European, 0.000085%; no homozygotes.

Submissions (3):

Labcorp Genetics (formerly Invitae), Labcorp
Classification: Likely benign for Hereditary nonpolyposis colorectal neoplasms. Last evaluated: 2025-05-11. Review status: criteria provided, single submitter. Criteria: Invitae Variant Classification Sherloc (09022015). Collection method: clinical testing. Allele origin: germline.

Myriad Genetics, Inc.
Classification: Benign for Lynch syndrome 5. Last evaluated: 2025-01-02. Review status: criteria provided, single submitter. Criteria: Myriad Autosomal Dominant, Autosomal Recessive and X-Linked Classification Criteria (2023). Collection method: clinical testing. Allele origin: unknown.
Comment: This variant is considered benign. This variant is a silent/synonymous amino acid change and it is not expected to impact splicing.

Ambry Genetics
Classification: Likely benign for Hereditary cancer-predisposing syndrome. Last evaluated: 2016-10-04. Review status: criteria provided, single submitter. Criteria: Ambry Variant Classification Scheme 2023. Collection method: clinical testing. Allele origin: germline.